The following is an entry in ClinVar:

NM_013432.5(TONSL):c.2477del (p.Pro826fs)

Genes: TONSL (tonsoku like, DNA repair protein; minus strand), TONSL-AS1 (TONSL antisense RNA 1; plus strand). Cytogenetic location: 8q24.3.
Variant type: Deletion.
Coding change: c.2477del on transcript NM_013432.5 (MANE Select); coding-DNA position 2477, one base deleted (C; older notation c.2477delC).
Protein change: p.Pro826fs; shifts the reading frame from proline 826.
Molecular consequence: frameshift variant.
Genome position (GRCh38, 1-based): chr8:144,435,956, G deleted on the plus strand (C on the coding strand, the reverse complement: TONSL is on the minus strand); the first of 3 consecutive G bases (chr8:144,435,956-144,435,958); deleting any one gives the same sequence. VCF-style (leftmost placement, unchanged base first): chr8-144435955-CG-C. GRCh37 (hg19) VCF-style: chr8-145661338-CG-C.
Other names: short protein forms P826fs.
Identifiers: ClinVar variation 4846953 (VCV004846953.1).

ClinVar aggregate classification (germline): Likely pathogenic (1 of 4 stars; one submission).

Conditions:
Sponastrime dysplasia. Also called: SPONDYLAR AND NASAL ALTERATIONS WITH STRIATED METAPHYSES. Identifiers: Orphanet 93357, MedGen C1300260, MONDO:0010068, OMIM 271510.

Submission:

Laboratorio de Genetica e Diagnostico Molecular, Hospital Israelita Albert Einstein
Classification: Likely pathogenic for Sponastrime dysplasia. Last evaluated: 2025-11-03. Review status: criteria provided, single submitter. Criteria: ACMG Guidelines, 2015. Collection method: clinical testing. Allele origin: germline. Affected: yes.
Comment: ACMG classification criteria: PVS1 very strong, PM2 supporting